The following is an entry in ClinVar:

NM_024408.4(NOTCH2):c.6521G>C (p.Gly2174Ala)

Gene: NOTCH2 (notch receptor 2; minus strand). Cytogenetic location: 1p12.
Variant type: single nucleotide variant.
Coding change: c.6521G>C on transcript NM_024408.4 (MANE Select); coding-DNA position 6521, G replaced by C.
Protein change: p.Gly2174Ala; replaces glycine 2174 with alanine.
Molecular consequence: missense variant.
Genome position (GRCh38, 1-based): chr1:119,916,201, C>G on the plus strand (G>C on the coding strand, the complement: NOTCH2 is on the minus strand). VCF-style: chr1-119916201-C-G. GRCh37 (hg19) VCF-style: chr1-120458824-C-G.
Other names: short protein forms G2174A.
Identifiers: ClinVar variation 2014305 (VCV002014305.4), dbSNP rs1649062330, ClinGen allele CA341877698.

ClinVar aggregate classification (germline): Uncertain significance (1 of 4 stars; one submission).

Conditions:
Hajdu-Cheney syndrome (HJCYS). Also called: ACROOSTEOLYSIS WITH OSTEOPOROSIS AND CHANGES IN SKULL AND MANDIBLE; SERPENTINE FIBULA-POLYCYSTIC KIDNEY SYNDROME; Acroosteolysis dominant type. Identifiers: Orphanet 955, MedGen C0917715, MONDO:0007057, OMIM 102500.

Allele frequency attached by ClinVar (database versions not stated): gnomAD exomes below 0.00001; gnomAD 0.00001.
gnomAD v4.1: 3 of 1,614,032 alleles (0.00019%); highest among the groups gnomAD compares: South Asian, 0.0033%; no homozygotes.

Submission:

Labcorp Genetics (formerly Invitae), Labcorp
Classification: Uncertain significance for Hajdu-Cheney syndrome. Last evaluated: 2022-07-06. Review status: criteria provided, single submitter. Criteria: Invitae Variant Classification Sherloc (09022015). Collection method: clinical testing. Allele origin: germline.
Comment: This sequence change replaces glycine, which is neutral and non-polar, with alanine, which is neutral and non-polar, at codon 2174 of the NOTCH2 protein (p.Gly2174Ala). This variant is not present in population databases (gnomAD no frequency). This variant has not been reported in the literature in individuals affected with NOTCH2-related conditions. Advanced modeling of protein sequence and biophysical properties (such as structural, functional, and spatial information, amino acid conservation, physicochemical variation, residue mobility, and thermodynamic stability) performed at Invitae indicates that this missense variant is not expected to disrupt NOTCH2 protein function. In summary, the available evidence is currently insufficient to determine the role of this variant in disease. Therefore, it has been classified as a Variant of Uncertain Significance.